The following is an entry in ClinVar:

NM_152416.4(NDUFAF6):c.581-4A>T

Gene: NDUFAF6 (NADH:ubiquinone oxidoreductase complex assembly factor 6; plus strand). Cytogenetic location: 8q22.1.
Variant type: single nucleotide variant.
Coding change: c.581-4A>T on transcript NM_152416.4 (MANE Select); 4 bases into the intron before coding-DNA position 581, A replaced by T.
Molecular consequence: intron variant.
Genome position (GRCh38, 1-based): chr8:95,046,990, A>T. VCF-style: chr8-95046990-A-T. GRCh37 (hg19) VCF-style: chr8-96059218-A-T.
Other names: c.248-4A>T (NM_001354534.2, NM_001354518.2, NM_001354519.2 and 1 more transcripts); c.305-4A>T (NM_001354514.2, NM_001354515.2, NM_001330582.2 and 1 more transcripts); c.125-4A>T (NM_001354525.2, NM_001354524.2, NM_001354522.2 and 7 more transcripts); c.425-4A>T (NM_001354516.2).
Identifiers: ClinVar variation 136602 (VCV000136602.16), dbSNP rs60724818, ClinGen allele CA289773.

ClinVar aggregate classification (germline): Benign. Review status: criteria provided, multiple submitters, no conflicts (2 of 4 stars). 4 submissions from 4 submitters: Benign (3). 1 of the submissions does not count toward it. Last evaluated 2026-01-27.

Allele frequency attached by ClinVar (database versions not stated): 1000 Genomes Project 0.03175; ESP Exome Variant Server 0.03262; gnomAD 0.03292 and 0.03069; 1000 Genomes Project 30x 0.03389; TOPMed 0.03437; gnomAD exomes 0.00307 and 0.00760; ExAC 0.00922.
gnomAD v4.1: 9,412 of 1,613,980 alleles (0.58%); highest among the groups gnomAD compares: African/African-American, 11%; 467 homozygotes.

Submissions (4):

Labcorp Genetics (formerly Invitae), Labcorp
Classification: Benign. Last evaluated: 2026-01-27. Review status: criteria provided, single submitter. Criteria: Invitae Variant Classification Sherloc (09022015). Collection method: clinical testing. Allele origin: germline.

GeneDx
Classification: Benign. Last evaluated: 2012-04-03. Review status: criteria provided, single submitter. Criteria: GeneDx Variant Classification (06012015). Collection method: clinical testing. Allele origin: germline. Affected: yes.
Comment: This variant is considered likely benign or benign based on one or more of the following criteria: it is a conservative change, it occurs at a poorly conserved position in the protein, it is predicted to be benign by multiple in silico algorithms, and/or has population frequency not consistent with disease.

Breakthrough Genomics
Classification: Benign. Review status: criteria provided, single submitter. Criteria: ACMG Guidelines, 2015. Collection method: not provided. Allele origin: germline. Inheritance: Autosomal recessive inheritance. Affected: yes.

Mayo Clinic Laboratories, Mayo Clinic
Classification: Benign. Last evaluated: 2016-03-11. Review status: no assertion criteria provided. Collection method: clinical testing. Allele origin: unknown. Not counted in ClinVar's aggregate classification.